The following is an entry in ClinVar:

ClinVar aggregate classification (germline): Uncertain significance (1 of 4 stars; one submission).

gnomAD v4.1: 5 of 1,614,128 alleles (0.00031%); highest among the groups gnomAD compares: South Asian, 0.0011%; no homozygotes.

Submission:

Labcorp Genetics (formerly Invitae), Labcorp
Classification: Uncertain significance. Last evaluated: 2025-05-15. Review status: criteria provided, single submitter. Criteria: Invitae Variant Classification Sherloc (09022015). Collection method: clinical testing. Allele origin: germline.
Comment: This sequence change replaces methionine, which is neutral and non-polar, with valine, which is neutral and non-polar, at codon 416 of the TNFRSF11A protein (p.Met416Val). This variant is not present in population databases (gnomAD no frequency). This variant has not been reported in the literature in individuals affected with TNFRSF11A-related conditions. An algorithm developed to predict the effect of missense changes on protein structure and function outputs the following: PolyPhen-2: "Benign". The valine amino acid residue is found in multiple mammalian species, which suggests that this missense change does not adversely affect protein function. In summary, the available evidence is currently insufficient to determine the role of this variant in disease. Therefore, it has been classified as a Variant of Uncertain Significance.

NM_003839.4(TNFRSF11A):c.1246A>G (p.Met416Val)

Gene: TNFRSF11A (TNF receptor superfamily member 11a; plus strand). Cytogenetic location: 18q21.33.
Variant type: single nucleotide variant.
Coding change: c.1246A>G on transcript NM_003839.4 (MANE Select); coding-DNA position 1246, A replaced by G.
Protein change: p.Met416Val; replaces methionine 416 with valine.
Molecular consequence: missense variant. On other transcripts: intron variant (3).
Genome position (GRCh38, 1-based): chr18:62,369,163, A>G. VCF-style: chr18-62369163-A-G. GRCh37 (hg19) VCF-style: chr18-60036396-A-G.
Other names: c.1204A>G, p.Met402Val (NM_001278268.2); c.783+2403A>G (NM_001270949.2); c.730+7370A>G (NM_001270950.2); c.616+9114A>G (NM_001270951.2); short protein forms M402V, M416V.
Identifiers: ClinVar variation 4713514 (VCV004713514.1).